The following is an entry in ClinVar:

NM_031418.4(ANO3):c.1339A>T (p.Lys447Ter)

Gene: ANO3 (anoctamin 3; plus strand). Cytogenetic location: 11p14.2.
Variant type: single nucleotide variant.
Coding change: c.1339A>T on transcript NM_031418.4 (MANE Select); coding-DNA position 1339, A replaced by T.
Protein change: p.Lys447Ter; replaces lysine 447 with a stop codon.
Molecular consequence: nonsense.
Genome position (GRCh38, 1-based): chr11:26,553,298, A>T. VCF-style: chr11-26553298-A-T. GRCh37 (hg19) VCF-style: chr11-26574845-A-T.
Other names: c.1522A>T, p.Lys508Ter (NM_001313726.2); c.901A>T, p.Lys301Ter (NM_001313727.2); short protein forms K447*, K508*, K301*.
Identifiers: ClinVar variation 1878330 (VCV001878330.1), dbSNP rs762206732, ClinGen allele CA5925906.

ClinVar aggregate classification (germline): Uncertain significance (1 of 4 stars; one submission).

Allele frequency attached by ClinVar (database versions not stated): ExAC 0.00001.

Submission:

Women's Health and Genetics/Laboratory Corporation of America, LabCorp
Classification: Uncertain significance. Last evaluated: 2022-12-16. Review status: criteria provided, single submitter. Criteria: LabCorp Variant Classification Summary - May 2015. Collection method: clinical testing. Allele origin: germline.
Comment: Variant summary: ANO3 c.1339A>T (p.Lys447X) results in a premature termination codon, predicted to cause a truncation of the encoded protein or absence of the protein due to nonsense mediated decay. The variant was absent in 250864 control chromosomes (gnomAD). The available data on variant occurrences in the general population are insufficient to allow any conclusion about variant significance. To our knowledge, no occurrence of c.1339A>T in individuals affected with Dystonia 24 and no experimental evidence demonstrating its impact on protein function have been reported. No clinical diagnostic laboratories have submitted clinical-significance assessments for this variant to ClinVar after 2014. Based on the evidence outlined above, the variant was classified as uncertain significance.